The following is an entry in ClinVar:

ClinVar aggregate classification (germline): Pathogenic (1 of 4 stars; one submission).

Submission:

Labcorp Genetics (formerly Invitae), Labcorp
Classification: Pathogenic. Last evaluated: 2024-02-17. Review status: criteria provided, single submitter. Criteria: Invitae Variant Classification Sherloc (09022015). Collection method: clinical testing. Allele origin: germline.
Comment: This sequence change creates a premature translational stop signal (p.Ser214Leufs*36) in the TET2 gene. It is expected to result in an absent or disrupted protein product. Loss-of-function variants in TET2 are known to be pathogenic (PMID: 36066697). This variant is present in population databases (no rsID available, gnomAD 0.06%). This variant has not been reported in the literature in individuals affected with TET2-related conditions. For these reasons, this variant has been classified as Pathogenic.

Literature cited by the submitters: PubMed 36066697.

NM_001127208.3(TET2):c.641del (p.Ser214fs)

Genes: TET2 (tet methylcytosine dioxygenase 2; plus strand), TET2-AS1 (TET2 antisense RNA 1; minus strand). Cytogenetic location: 4q24.
Variant type: Deletion.
Coding change: c.641del on transcript NM_001127208.3 (MANE Select); coding-DNA position 641, one base deleted (C; older notation c.641delC).
Protein change: p.Ser214fs; shifts the reading frame from serine 214.
Molecular consequence: frameshift variant.
Genome position (GRCh38, 1-based): chr4:105,234,583, C deleted. VCF-style (leftmost placement, unchanged base first): chr4-105234582-TC-T. GRCh37 (hg19) VCF-style: chr4-106155739-TC-T.
Other names: c.641del, p.Ser214fs (NM_017628.4); short protein forms S214fs.
Identifiers: ClinVar variation 3641448 (VCV003641448.2).